The following is an entry in ClinVar:

NM_000234.3(LIG1):c.1154A>G (p.Asn385Ser)

Gene: LIG1 (DNA ligase 1; minus strand). Cytogenetic location: 19q13.33.
Variant type: single nucleotide variant.
Coding change: c.1154A>G on transcript NM_000234.3 (MANE Select); coding-DNA position 1154, A replaced by G.
Protein change: p.Asn385Ser; replaces asparagine 385 with serine.
Molecular consequence: missense variant. On other transcripts: non-coding transcript variant (6).
Genome position (GRCh38, 1-based): chr19:48,137,622, T>C on the plus strand (A>G on the coding strand, the complement: LIG1 is on the minus strand). VCF-style: chr19-48137622-T-C. GRCh37 (hg19) VCF-style: chr19-48640879-T-C.
Other names: c.1061A>G, p.Asn354Ser (NM_001289063.2); c.950A>G, p.Asn317Ser (NM_001289064.2); c.1151A>G, p.Asn384Ser (NM_001320970.2); c.1064A>G, p.Asn355Ser (NM_001320971.2); short protein forms N317S, N384S, N385S, N354S, N355S.
Identifiers: ClinVar variation 1499896 (VCV001499896.3), dbSNP rs748951611, ClinGen allele CA9546937.
Genomic context (GRCh38, chr19:48,137,622, plus strand): 5'-AAGACCCCGGAGGCAGTGAGCGGAGGTGGTGGCAGCATGAGCCTCTGGGTGCTGCGGCTG[T>C]TCTCGGCCACCAGCCCCACGTCGCCTTTCTCGGCTGCCTCAGCCCGGACGGACTCCAGCT-3'
Protein context (NP_000225.1, residues 375-395): EKGDVGLVAE[Asn385Ser]SRSTQRLMLP

ClinVar aggregate classification (germline): Uncertain significance (1 of 4 stars; one submission).

Allele frequency attached by ClinVar (database versions not stated): gnomAD exomes below 0.00001 and 0.00002; TOPMed below 0.00001; ExAC 0.00001; gnomAD 0.00001.
gnomAD v4.1: 25 of 1,611,576 alleles (0.0016%); highest among the groups gnomAD compares: Non-Finnish European, 0.0021%; no homozygotes.

Submission:

Labcorp Genetics (formerly Invitae), Labcorp
Classification: Uncertain significance. Last evaluated: 2021-10-21. Review status: criteria provided, single submitter. Criteria: Invitae Variant Classification Sherloc (09022015). Collection method: clinical testing. Allele origin: germline.
Comment: This sequence change replaces asparagine with serine at codon 385 of the LIG1 protein (p.Asn385Ser). The asparagine residue is weakly conserved and there is a small physicochemical difference between asparagine and serine. This variant is present in population databases (rs748951611, ExAC 0.002%). This variant has not been reported in the literature in individuals affected with LIG1-related conditions. Algorithms developed to predict the effect of missense changes on protein structure and function output the following: SIFT: "Tolerated"; PolyPhen-2: "Benign"; Align-GVGD: "Class C0". The serine amino acid residue is found in multiple mammalian species, which suggests that this missense change does not adversely affect protein function. In summary, the available evidence is currently insufficient to determine the role of this variant in disease. Therefore, it has been classified as a Variant of Uncertain Significance.